The following is an entry in ClinVar:

NM_198576.4(AGRN):c.4976+4G>T

Gene: AGRN (agrin; plus strand). Cytogenetic location: 1p36.33.
Variant type: single nucleotide variant.
Coding change: c.4976+4G>T on transcript NM_198576.4 (MANE Select); 4 bases into the intron after coding-DNA position 4976, G replaced by T.
Molecular consequence: intron variant.
Genome position (GRCh38, 1-based): chr1:1,050,333, G>T. VCF-style: chr1-1050333-G-T. GRCh37 (hg19) VCF-style: chr1-985713-G-T.
Other names: c.4976+4G>T (NM_001305275.2); c.4661+4G>T (NM_001364727.2).
Identifiers: ClinVar variation 1499783 (VCV001499783.6), dbSNP rs565518558, ClinGen allele CA997657832.

ClinVar aggregate classification (germline): Uncertain significance (1 of 4 stars; one submission).

Conditions:
Congenital myasthenic syndrome 8. Also called: Myasthenic syndrome, congenital, 8, with pre- and postsynaptic defects; MYASTHENIC SYNDROME, CONGENITAL, DUE TO AGRIN DEFICIENCY. Identifiers: Orphanet 590, MedGen C3808739, MONDO:0014052, OMIM 615120.

gnomAD v4.1: 2 of 1,612,714 alleles (0.00012%); highest among the groups gnomAD compares: Admixed American, 0.0017%; no homozygotes.

Submission:

Labcorp Genetics (formerly Invitae), Labcorp
Classification: Uncertain significance for Congenital myasthenic syndrome 8. Last evaluated: 2021-01-12. Review status: criteria provided, single submitter. Criteria: Invitae Variant Classification Sherloc (09022015). Collection method: clinical testing. Allele origin: germline.
Comment: This sequence change falls in intron 28 of the AGRN gene. It does not directly change the encoded amino acid sequence of the AGRN protein. It affects a nucleotide within the consensus splice site of the intron. This variant is not present in population databases (ExAC no frequency). This variant has not been reported in the literature in individuals with AGRN-related conditions. Nucleotide substitutions within the consensus splice site are a relatively common cause of aberrant splicing (PMID: 17576681, 9536098). Algorithms developed to predict the effect of sequence changes on RNA splicing suggest that this variant is not likely to affect RNA splicing, but this prediction has not been confirmed by published transcriptional studies. In summary, the available evidence is currently insufficient to determine the role of this variant in disease. Therefore, it has been classified as a Variant of Uncertain Significance.

Literature cited by the submitters: PubMed 17576681; PubMed 9536098.